The following is an entry in ClinVar:

ClinVar aggregate classification (germline): Pathogenic (1 of 4 stars; one submission).

Submission:

Labcorp Genetics (formerly Invitae), Labcorp
Classification: Pathogenic. Last evaluated: 2023-03-19. Review status: criteria provided, single submitter. Criteria: Invitae Variant Classification Sherloc (09022015). Collection method: clinical testing. Allele origin: germline.
Comment: For these reasons, this variant has been classified as Pathogenic. This variant has not been reported in the literature in individuals affected with RBP3-related conditions. This variant is not present in population databases (gnomAD no frequency). This sequence change creates a premature translational stop signal (p.Val102Serfs*43) in the RBP3 gene. It is expected to result in an absent or disrupted protein product. Loss-of-function variants in RBP3 are known to be pathogenic (PMID: 9614228, 23105016, 25766589).

Literature cited by the submitters: PubMed 9614228; PubMed 23105016; PubMed 25766589.

NM_002900.3(RBP3):c.304del (p.Val102fs)

Gene: RBP3 (retinol binding protein 3; plus strand). Cytogenetic location: 10q11.22.
Variant type: Deletion.
Coding change: c.304del on transcript NM_002900.3 (MANE Select); coding-DNA position 304, one base deleted (G; older notation c.304delG).
Protein change: p.Val102fs; shifts the reading frame from valine 102.
Molecular consequence: frameshift variant.
Genome position (GRCh38, 1-based): chr10:47,348,788, G deleted. VCF-style (leftmost placement, unchanged base first): chr10-47348787-AG-A. GRCh37 (hg19) VCF-style: chr10-48390573-AC-A.
Other names: short protein forms V102fs.
Identifiers: ClinVar variation 2879082 (VCV002879082.3), dbSNP rs2549027602, ClinGen allele CA2739265356.